The following is an entry in ClinVar:

ClinVar aggregate classification (germline): Uncertain significance (1 of 4 stars; one submission).

Submission:

Labcorp Genetics (formerly Invitae), Labcorp
Classification: Uncertain significance. Last evaluated: 2023-03-19. Review status: criteria provided, single submitter. Criteria: Invitae Variant Classification Sherloc (09022015). Collection method: clinical testing. Allele origin: germline.
Comment: In summary, the available evidence is currently insufficient to determine the role of this variant in disease. Therefore, it has been classified as a Variant of Uncertain Significance. Experimental studies and prediction algorithms are not available or were not evaluated, and the functional significance of this variant is currently unknown. This variant has not been reported in the literature in individuals affected with GUF1-related conditions. This variant is present in population databases (rs773380532, gnomAD 0.02%). This sequence change disrupts the translational stop signal of the GUF1 mRNA. It is expected to extend the length of the GUF1 protein by 21 additional amino acid residues.

NM_021927.3(GUF1):c.2006AAT[1] (p.Ter670Xaa)

Gene: GUF1 (GTP binding elongation factor GUF1; plus strand). Cytogenetic location: 4p12.
Variant type: Microsatellite.
Coding change: c.2006AAT[1] on transcript NM_021927.3 (MANE Select); one copy of the 3-base unit AAT starting at c.2006; the reference has two copies in a row; one copy, 3 bases deleted.
Protein change: p.Ter670Xaa.
Molecular consequence: stop lost.
Genome position (GRCh38, 1-based): chr4:44,698,680-44,698,682, AAT deleted; deleting any 3 consecutive bases within chr4:44,698,677-44,698,682 gives the same sequence; the position shown is the placement nearest the transcript's 3' end. VCF-style (leftmost placement, unchanged base first): chr4-44698676-AAAT-A. GRCh37 (hg19) VCF-style: chr4-44700693-AAAT-A.
Other names: c.1034AAT[1], p.Ter346Xaa (NM_001345867.2, NM_001345869.2); c.1886AAT[1], p.Ter630Xaa (NM_001345868.2).
Identifiers: ClinVar variation 1469445 (VCV001469445.6), dbSNP rs773380532, ClinGen allele CA2905840.
Genomic context (GRCh38, chr4:44,698,676, plus strand): 5'-ATTGGCAACGTTGAAGTTCCAAAAGATGCTTTTATAAAAGTTCTGAAAACACAATCTTCT[AAAT>A]AATTGGTGGGAAAACAAAGAATTTTCATTGCAATTTGTAATATGCTGACAACAGAAAGAA-3'